The following is an entry in ClinVar:

NM_000518.5(HBB):c.8A>C (p.His3Pro)

Genes: HBB (hemoglobin subunit beta; minus strand), LOC106099062 (HBB recombination region; plus strand), LOC107133510 (origin of replication at HBB; plus strand). Cytogenetic location: 11p15.4.
Variant type: single nucleotide variant.
Coding change: c.8A>C on transcript NM_000518.5 (MANE Select); coding-DNA position 8, A replaced by C.
Protein change: p.His3Pro; replaces histidine 3 with proline.
Molecular consequence: missense variant.
Genome position (GRCh38, 1-based): chr11:5,227,014, T>G on the plus strand (A>C on the coding strand, the complement: HBB is on the minus strand). VCF-style: chr11-5227014-T-G. GRCh37 (hg19) VCF-style: chr11-5248244-T-G.
Other names: HBB, NH2 EXTENSION, HIS2PRO; H2P; Hb Marseille; Hb Long Island-Marseille; short protein forms H3P.
Identifiers: ClinVar variation 15261 (VCV000015261.2), dbSNP rs33983205, ClinGen allele CA125020.

ClinVar aggregate classification (germline): Uncertain significance. Review status: criteria provided, single submitter (1 of 4 stars). 2 submissions from 2 submitters: Uncertain significance (1). 1 of the submissions does not count toward it. Last evaluated 2019-11-01.

Submissions (2):

Women's Health and Genetics/Laboratory Corporation of America, LabCorp
Classification: Uncertain significance. Last evaluated: 2019-11-01. Review status: criteria provided, single submitter. Criteria: LabCorp Variant Classification Summary - May 2015. Collection method: clinical testing. Allele origin: germline.
Comment: Variant summary: HBB c.8A>C (p.His3Pro), also known as Hb Long Island-Marseille and Hb Agrigente in the literature and variant databases, results in a non-conservative amino acid change located in the Globin domain (IPR000971) of the encoded protein sequence. Five of five in-silico tools predict a damaging effect of the variant on protein function. The variant was absent in 251140 control chromosomes (gnomAD). The available data on variant occurrences in the general population are insufficient to allow any conclusion about variant significance. c.8A>C has been reported in the literature as an abnormal hemoglobin detected during HbA1C evaluation in diabetic patients who were otherwise hematologically normal (Barwick_1985, Blouquit_1984, Boi_1989, Wei_2019). These reports do not provide unequivocal conclusions about association of the variant with Hemoglobinopathy. To our knowledge, no experimental evidence demonstrating an impact on protein function has been reported. No clinical diagnostic laboratories have submitted clinical-significance assessments for this variant to ClinVar after 2014. Based on the evidence outlined above, the variant was classified as uncertain significance until additional clinical and functional evidence becomes available.

OMIM
Classification: Pathogenic for HEMOGLOBIN MARSEILLE. Last evaluated: 1989-01-01. Review status: no assertion criteria provided. Collection method: literature only. Allele origin: germline. Not counted in ClinVar's aggregate classification.

Literature cited by the submitters: PubMed 2599888 (cited by Women's Health and Genetics/Laboratory Corporation of America, LabCorp and OMIM); PubMed 3455755 (cited by Women's Health and Genetics/Laboratory Corporation of America, LabCorp and OMIM); PubMed 3860812 (cited by Women's Health and Genetics/Laboratory Corporation of America, LabCorp); PubMed 6548977 (cited by Women's Health and Genetics/Laboratory Corporation of America, LabCorp and OMIM); PubMed 19429541 (cited by Women's Health and Genetics/Laboratory Corporation of America, LabCorp); PubMed 31152169 (cited by Women's Health and Genetics/Laboratory Corporation of America, LabCorp); Blouquit, Y., Lena-Russo, D., Delanoe, J., Arous, N., Bardakjian, J., Lacombe, C., Vovan, L., Orsini, A., Rosa, J., Galacteros, F. Hb Marseille beta-1(A1)NH2-met, 2(A2)his-to-3(A3)pro: first variant having a N-terminal elongated beta chain. (Abstract) Hemoglobin 9: 107-108, 1985. (cited by OMIM); Barwick, R. C., Head, C. G., Hih, M. F.-C., Block, S. H., Jones, R. T. Hb T-Cambodia (beta26 (B8) glu-to-lys, beta121 (GH4) glu-to-gln) a new doubly substituted beta globin variant found in a Cambodian family. (Abstract) Blood 66: 68A, 1985. (cited by OMIM).